The following is an entry in ClinVar:

NM_138694.4(PKHD1):c.2045del (p.Pro682fs)

Gene: PKHD1 (PKHD1 ciliary IPT domain containing fibrocystin/polyductin; minus strand). Cytogenetic location: 6p12.2.
Variant type: Deletion.
Coding change: c.2045del on transcript NM_138694.4 (MANE Select); coding-DNA position 2045, one base deleted (C; older notation c.2045delC).
Protein change: p.Pro682fs; shifts the reading frame from proline 682.
Molecular consequence: frameshift variant.
Genome position (GRCh38, 1-based): chr6:52,053,171, G deleted on the plus strand (C on the coding strand, the reverse complement: PKHD1 is on the minus strand); the first of 4 consecutive G bases (chr6:52,053,171-52,053,174); deleting any one gives the same sequence. VCF-style (leftmost placement, unchanged base first): chr6-52053170-TG-T. GRCh37 (hg19) VCF-style: chr6-51917968-TG-T.
Other names: c.2045del, p.Pro682fs (NM_170724.3); short protein forms P682fs.
Identifiers: ClinVar variation 4816597 (VCV004816597.1).
Genomic context (GRCh38, chr6:52,053,170, plus strand): 5'-CACATAGAACAGGCCCGTCTCCTGGGCCAGAGGGAGAAGGTTGATCTGATGAACCAGCAC[TG>T]GGGAGTTTGCCGGAGGGGGCTGGAGATCCCCGAAGCAACGCACACAAGTCTCCCAGAGGT-3'

ClinVar aggregate classification (germline): Likely pathogenic (1 of 4 stars; one submission).

Conditions:
Autosomal recessive polycystic kidney disease (ARPKD). Also called: AR polycystic kidney disease. Identifiers: Orphanet 731, Orphanet 8378, MedGen C0085548, MeSH D017044, MONDO:0009889.

Submission:

Natera, Inc.
Classification: Likely pathogenic for Autosomal recessive polycystic kidney disease. Last evaluated: 2025-11-12. Review status: criteria provided, single submitter. Criteria: Natera Variant Classification Schema (03/2026). Collection method: clinical testing. Allele origin: germline.
Comment: The c.2045del variant in PKHD1 is a frameshift variant predicted to shift the reading frame beginning at codon 682 and leads to a stop codon 31 codons downstream. This variant is expected to result in nonsense mediated decay, truncation, or a dysfunctional protein product. This variant is rare in the general population with a frequency below the threshold expected for the associated phenotype(s). Given the available evidence, this variant is classified as Likely Pathogenic.